The following is an entry in ClinVar:

NM_001312909.2(FAM111A):c.609G>T (p.Lys203Asn)

Gene: FAM111A (FAM111 trypsin like peptidase A; plus strand). Cytogenetic location: 11q12.1.
Variant type: single nucleotide variant.
Coding change: c.609G>T on transcript NM_001312909.2 (MANE Select); coding-DNA position 609, G replaced by T.
Protein change: p.Lys203Asn; replaces lysine 203 with asparagine.
Molecular consequence: missense variant.
Genome position (GRCh38, 1-based): chr11:59,152,277, G>T. VCF-style: chr11-59152277-G-T. GRCh37 (hg19) VCF-style: chr11-58919750-G-T.
Other names: c.609G>T, p.Lys203Asn (NM_001142519.3, NM_001142520.3, NM_001142521.3 and 29 more transcripts); short protein forms K203N.
Identifiers: ClinVar variation 2788505 (VCV002788505.3), dbSNP rs2496287170, ClinGen allele CA380775465.

ClinVar aggregate classification (germline): Uncertain significance (1 of 4 stars; one submission).

Submission:

Labcorp Genetics (formerly Invitae), Labcorp
Classification: Uncertain significance. Last evaluated: 2023-07-17. Review status: criteria provided, single submitter. Criteria: Invitae Variant Classification Sherloc (09022015). Collection method: clinical testing. Allele origin: germline.
Comment: This sequence change replaces lysine, which is basic and polar, with asparagine, which is neutral and polar, at codon 203 of the FAM111A protein (p.Lys203Asn). In summary, the available evidence is currently insufficient to determine the role of this variant in disease. Therefore, it has been classified as a Variant of Uncertain Significance. Advanced modeling of protein sequence and biophysical properties (such as structural, functional, and spatial information, amino acid conservation, physicochemical variation, residue mobility, and thermodynamic stability) performed at Invitae indicates that this missense variant is not expected to disrupt FAM111A protein function. This variant has not been reported in the literature in individuals affected with FAM111A-related conditions. This variant is not present in population databases (gnomAD no frequency).